The following is an entry in ClinVar:

NM_004064.5(CDKN1B):c.341C>G (p.Pro114Arg)

Gene: CDKN1B (cyclin dependent kinase inhibitor 1B; plus strand). Cytogenetic location: 12p13.1.
Variant type: single nucleotide variant.
Coding change: c.341C>G on transcript NM_004064.5 (MANE Select); coding-DNA position 341, C replaced by G.
Protein change: p.Pro114Arg; replaces proline 114 with arginine.
Molecular consequence: missense variant.
Genome position (GRCh38, 1-based): chr12:12,718,180, C>G. VCF-style: chr12-12718180-C-G. GRCh37 (hg19) VCF-style: chr12-12871114-C-G.
Other names: short protein forms P114R.
Identifiers: ClinVar variation 239619 (VCV000239619.18), dbSNP rs755989911, ClinGen allele CA6457468.
Genomic context (GRCh38, chr12:12,718,180, plus strand): 5'-CCCCCAAAGGTGCCTGCAAGGTGCCGGCGCAGGAGAGCCAGGATGTCAGCGGGAGCCGCC[C>G]GGCGGCGCCTTTAATTGGGGCTCCGGCTAACTCTGAGGACACGCATTTGGTGGACCCAAA-3'
Protein context (NP_004055.1, residues 104-124): QESQDVSGSR[Pro114Arg]AAPLIGAPAN

ClinVar aggregate classification (germline): Conflicting classifications of pathogenicity. Review status: criteria provided, conflicting classifications (1 of 4 stars). 3 submissions from 3 submitters: Uncertain significance (2); Likely benign (1). Last evaluated 2026-01-19.

Conditions:
Hereditary cancer-predisposing syndrome. Also called: Neoplastic Syndromes, Hereditary; Tumor predisposition; Hereditary neoplastic syndrome; Hereditary Cancer Syndrome. Identifiers: Orphanet 140162, MedGen C0027672, MeSH D009386, MONDO:0015356.
Multiple endocrine neoplasia type 4. Also called: MULTIPLE ENDOCRINE NEOPLASIA, TYPE IV. Identifiers: Orphanet 276152, MedGen C1970712, MONDO:0012552, OMIM 610755.

Allele frequency attached by ClinVar (database versions not stated): gnomAD exomes below 0.00001; ExAC 0.00001; gnomAD 0.00001; TOPMed 0.00001.
gnomAD v4.1: 10 of 1,613,008 alleles (0.00062%); highest among the groups gnomAD compares: Non-Finnish European, 0.00085%; no homozygotes.

Submissions (3):

Labcorp Genetics (formerly Invitae), Labcorp
Classification: Uncertain significance for Multiple endocrine neoplasia type 4. Last evaluated: 2026-01-19. Review status: criteria provided, single submitter. Criteria: Invitae Variant Classification Sherloc (09022015). Collection method: clinical testing. Allele origin: germline.
Comment: This sequence change replaces proline, which is neutral and non-polar, with arginine, which is basic and polar, at codon 114 of the CDKN1B protein (p.Pro114Arg). This variant is present in population databases (rs755989911, gnomAD 0.0009%). This variant has not been reported in the literature in individuals affected with CDKN1B-related conditions. ClinVar contains an entry for this variant (Variation ID: 239619). An algorithm developed to predict the effect of missense changes on protein structure and function (PolyPhen-2) suggests that this variant is likely to be tolerated. In summary, the available evidence is currently insufficient to determine the role of this variant in disease. Therefore, it has been classified as a Variant of Uncertain Significance.

Ambry Genetics
Classification: Likely benign for Hereditary cancer-predisposing syndrome. Last evaluated: 2025-04-21. Review status: criteria provided, single submitter. Criteria: Ambry Variant Classification Scheme 2023. Collection method: clinical testing. Allele origin: germline.

Baylor Genetics
Classification: Uncertain significance for Multiple endocrine neoplasia type 4. Last evaluated: 2023-12-19. Review status: criteria provided, single submitter. Criteria: ACMG Guidelines, 2015. Collection method: clinical testing. Allele origin: unknown.